The following is an entry in ClinVar:

NM_000264.5(PTCH1):c.3446T>A (p.Val1149Asp)

Gene: PTCH1 (patched 1; minus strand). Cytogenetic location: 9q22.32.
Variant type: single nucleotide variant.
Coding change: c.3446T>A on transcript NM_000264.5 (MANE Select); coding-DNA position 3446, T replaced by A.
Protein change: p.Val1149Asp; replaces valine 1149 with aspartic acid.
Molecular consequence: missense variant. On other transcripts: non-coding transcript variant (1).
Genome position (GRCh38, 1-based): chr9:95,453,481, A>T on the plus strand (T>A on the coding strand, the complement: PTCH1 is on the minus strand). VCF-style: chr9-95453481-A-T. GRCh37 (hg19) VCF-style: chr9-98215763-A-T.
Other names: c.3248T>A, p.Val1083Asp (NM_001083602.3); c.3443T>A, p.Val1148Asp (NM_001083603.3); c.2993T>A, p.Val998Asp (NM_001083604.3, NM_001083605.3, NM_001083606.3 and 1 more transcripts); c.3290T>A, p.Val1097Asp (NM_001354918.2); short protein forms V1083D, V1148D, V1149D, V998D, V1097D.
Identifiers: ClinVar variation 1925122 (VCV001925122.5), dbSNP rs2538040029, ClinGen allele CA374111652.

ClinVar aggregate classification (germline): Uncertain significance (1 of 4 stars; one submission).

Conditions:
Gorlin syndrome. Also called: Basal cell nevus syndrome; Nevoid Basal Cell Carcinoma Syndrome. Identifiers: Orphanet 377, MedGen C0004779, MONDO:0007187.

Submission:

Labcorp Genetics (formerly Invitae), Labcorp
Classification: Uncertain significance for Gorlin syndrome. Last evaluated: 2022-08-05. Review status: criteria provided, single submitter. Criteria: Invitae Variant Classification Sherloc (09022015). Collection method: clinical testing. Allele origin: germline.
Comment: This sequence change replaces valine, which is neutral and non-polar, with aspartic acid, which is acidic and polar, at codon 1149 of the PTCH1 protein (p.Val1149Asp). This variant is not present in population databases (gnomAD no frequency). This variant has not been reported in the literature in individuals affected with PTCH1-related conditions. Advanced modeling of protein sequence and biophysical properties (such as structural, functional, and spatial information, amino acid conservation, physicochemical variation, residue mobility, and thermodynamic stability) performed at Invitae indicates that this missense variant is expected to disrupt PTCH1 protein function. In summary, the available evidence is currently insufficient to determine the role of this variant in disease. Therefore, it has been classified as a Variant of Uncertain Significance.